The following is an entry in ClinVar:

NM_080669.6(SLC46A1):c.712A>G (p.Lys238Glu)

Gene: SLC46A1 (solute carrier family 46 member 1; minus strand). Cytogenetic location: 17q11.2.
Variant type: single nucleotide variant.
Coding change: c.712A>G on transcript NM_080669.6 (MANE Select); coding-DNA position 712, A replaced by G.
Protein change: p.Lys238Glu; replaces lysine 238 with glutamic acid.
Molecular consequence: missense variant.
Genome position (GRCh38, 1-based): chr17:28,404,985, T>C on the plus strand (A>G on the coding strand, the complement: SLC46A1 is on the minus strand). VCF-style: chr17-28404985-T-C. GRCh37 (hg19) VCF-style: chr17-26732003-T-C.
Other names: p.Lys238Glu; c.712A>G, p.Lys238Glu (NM_001242366.3); short protein forms K238E.
Identifiers: ClinVar variation 4542140 (VCV004542140.1).

ClinVar aggregate classification (germline): Uncertain significance (1 of 4 stars; one submission).

Submission:

Mayo Clinic Laboratories, Mayo Clinic
Classification: Uncertain significance. Last evaluated: 2025-09-22. Review status: criteria provided, single submitter. Criteria: ACMG Guidelines, 2015. Collection method: clinical testing. Allele origin: germline. Observed: 1 variant allele.
Comment: BP4_moderate, PM2_supporting